The following is an entry in ClinVar:

NM_018052.5(VAC14):c.594G>A (p.Trp198Ter)

Gene: VAC14 (VAC14 component of PIKFYVE complex; minus strand). Cytogenetic location: 16q22.1.
Variant type: single nucleotide variant.
Coding change: c.594G>A on transcript NM_018052.5 (MANE Select); coding-DNA position 594, G replaced by A.
Protein change: p.Trp198Ter; replaces tryptophan 198 with a stop codon.
Molecular consequence: nonsense. On other transcripts: 5 prime UTR variant (1).
Genome position (GRCh38, 1-based): chr16:70,784,113, C>T on the plus strand (G>A on the coding strand, the complement: VAC14 is on the minus strand). VCF-style: chr16-70784113-C-T. GRCh37 (hg19) VCF-style: chr16-70818016-C-T.
Other names: c.-109G>A (NM_001351157.2); short protein forms W198*.
Identifiers: ClinVar variation 5041765 (VCV005041765.1).
Genomic context (GRCh38, chr16:70,784,113, plus strand): 5'-TGCTAGAGAGCAGATTTTCCAAACTGGAGGCTGGAGAAACGGTGTCCGGCCAGGCCTTAC[C>T]CAGGAGATGATGAACTGCCGGGCATACTGGTTGTTGGAGTAAATCCTCTCTCGCAACAAG-3'

ClinVar aggregate classification (germline): Likely pathogenic (1 of 4 stars; one submission).

gnomAD v4.1: 1 of 1,613,926 alleles (0.000062%); no homozygotes.

Submission:

CeGaT Center for Human Genetics Tuebingen
Classification: Likely pathogenic. Last evaluated: 2026-09-01. Review status: criteria provided, single submitter. Criteria: CeGaT Center For Human Genetics Tuebingen Variant Classification Criteria Version 2. Collection method: clinical testing. Allele origin: germline. Affected: yes. Observed: 1 variant allele.
Comment: VAC14: PVS1:Strong, PM2